The following is an entry in ClinVar:

NM_213599.3(ANO5):c.1333-238T>C

Gene: ANO5 (anoctamin 5; plus strand). Cytogenetic location: 11p14.3.
Variant type: single nucleotide variant.
Coding change: c.1333-238T>C on transcript NM_213599.3 (MANE Select); 238 bases into the intron before coding-DNA position 1333, T replaced by C.
Molecular consequence: intron variant.
Genome position (GRCh38, 1-based): chr11:22,257,442, T>C. VCF-style: chr11-22257442-T-C. GRCh37 (hg19) VCF-style: chr11-22278988-T-C.
Other names: c.1330-238T>C (NM_001142649.2).
Identifiers: ClinVar variation 677611 (VCV000677611.2), dbSNP rs7937378, ClinGen allele CA218764019.

ClinVar aggregate classification (germline): Benign. Review status: criteria provided, multiple submitters, no conflicts (2 of 4 stars). 2 submissions from 2 submitters: Benign (2). Last evaluated 2018-06-18.

Allele frequency attached by ClinVar (database versions not stated): gnomAD 0.05944 and 0.06446; 1000 Genomes Project 0.06430; TOPMed 0.06650; 1000 Genomes Project 30x 0.06886.
gnomAD v4.1: 8,958 of 152,214 alleles (5.9%); highest among the groups gnomAD compares: African/African-American, 21%; 878 homozygotes.

Submissions (2):

GeneDx
Classification: Benign. Last evaluated: 2018-06-18. Review status: criteria provided, single submitter. Criteria: GeneDx Variant Classification (06012015). Collection method: clinical testing. Allele origin: germline. Affected: yes.
Comment: This variant is considered likely benign or benign based on one or more of the following criteria: it is a conservative change, it occurs at a poorly conserved position in the protein, it is predicted to be benign by multiple in silico algorithms, and/or has population frequency not consistent with disease.

Breakthrough Genomics
Classification: Benign. Review status: criteria provided, single submitter. Criteria: ACMG Guidelines, 2015. Collection method: not provided. Allele origin: germline. Inheritance: Autosomal recessive inheritance. Affected: yes.